The following is an entry in ClinVar:

ClinVar aggregate classification (germline): Uncertain significance (1 of 4 stars; one submission).

gnomAD v4.1: 2 of 1,613,824 alleles (0.00012%); highest among the groups gnomAD compares: Non-Finnish European, 0.00017%; no homozygotes.

Submission:

Labcorp Genetics (formerly Invitae), Labcorp
Classification: Uncertain significance. Last evaluated: 2024-10-08. Review status: criteria provided, single submitter. Criteria: Invitae Variant Classification Sherloc (09022015). Collection method: clinical testing. Allele origin: germline.
Comment: This sequence change replaces asparagine, which is neutral and polar, with threonine, which is neutral and polar, at codon 394 of the NBAS protein (p.Asn394Thr). This variant is not present in population databases (gnomAD no frequency). This variant has not been reported in the literature in individuals affected with NBAS-related conditions. ClinVar contains an entry for this variant (Variation ID: 1495899). Invitae Evidence Modeling of protein sequence and biophysical properties (such as structural, functional, and spatial information, amino acid conservation, physicochemical variation, residue mobility, and thermodynamic stability) has been performed for this missense variant. However, the output from this modeling did not meet the statistical confidence thresholds required to predict the impact of this variant on NBAS protein function. In summary, the available evidence is currently insufficient to determine the role of this variant in disease. Therefore, it has been classified as a Variant of Uncertain Significance.

NM_015909.4(NBAS):c.1181A>C (p.Asn394Thr)

Gene: NBAS (NBAS subunit of NRZ tethering complex; minus strand). Cytogenetic location: 2p24.3.
Variant type: single nucleotide variant.
Coding change: c.1181A>C on transcript NM_015909.4 (MANE Select); coding-DNA position 1181, A replaced by C.
Protein change: p.Asn394Thr; replaces asparagine 394 with threonine.
Molecular consequence: missense variant. On other transcripts: non-coding transcript variant (1).
Genome position (GRCh38, 1-based): chr2:15,475,847, T>G on the plus strand (A>C on the coding strand, the complement: NBAS is on the minus strand). VCF-style: chr2-15475847-T-G. GRCh37 (hg19) VCF-style: chr2-15615971-T-G.
Other names: short protein forms N394T.
Identifiers: ClinVar variation 1495899 (VCV001495899.8), dbSNP rs143312358, ClinGen allele CA345891226.
Genomic context (GRCh38, chr2:15,475,847, plus strand): 5'-GATGAAACAGTTAAAGCACCAGAGCATCGAGCTAAAGTCACTGCACTGTCTGCCCACCAA[T>G]TGACATCTATCAGTGGGTAAAAGGACTCTTTATCTAAGAAGCGAAAAACAAATCAATACA-3'
Protein context (NP_056993.2, residues 384-404): KESFYPLIDV[Asn394Thr]WWADSAVTLA